The following is an entry in ClinVar:

ClinVar aggregate classification (germline): Uncertain significance (1 of 4 stars; one submission).

Conditions:
Hereditary spastic paraplegia 31. Also called: SPASTIC PARAPLEGIA 31, AUTOSOMAL DOMINANT. Identifiers: Orphanet 101011, MedGen C1853247, MONDO:0012453, OMIM 610250.

Submission:

Labcorp Genetics (formerly Invitae), Labcorp
Classification: Uncertain significance for Hereditary spastic paraplegia 31. Last evaluated: 2021-05-03. Review status: criteria provided, single submitter. Criteria: Invitae Variant Classification Sherloc (09022015). Collection method: clinical testing. Allele origin: germline.
Comment: This sequence change falls in intron 2 of the REEP1 gene. It does not directly change the encoded amino acid sequence of the REEP1 protein, but it affects a nucleotide within the consensus splice site of the intron. This variant is not present in population databases (ExAC no frequency). This variant has been observed in individual(s) with hereditary spastic paraplegia (PMID: 18644145). Nucleotide substitutions within the consensus splice site are a relatively common cause of aberrant splicing (PMID: 17576681, 9536098). Algorithms developed to predict the effect of sequence changes on RNA splicing suggest that this variant may disrupt the consensus splice site, but this prediction has not been confirmed by published transcriptional studies. In summary, the available evidence is currently insufficient to determine the role of this variant in disease. Therefore, it has been classified as a Variant of Uncertain Significance.

Literature cited by the submitters: PubMed 18644145; PubMed 17576681; PubMed 9536098.

NM_001371279.1(REEP1):c.105+6T>C

Gene: REEP1 (receptor accessory protein 1; minus strand). Cytogenetic location: 2p11.2.
Variant type: single nucleotide variant.
Coding change: c.105+6T>C on transcript NM_001371279.1 (MANE Select); 6 bases into the intron after coding-DNA position 105, T replaced by C.
Molecular consequence: intron variant.
Genome position (GRCh38, 1-based): chr2:86,282,164, A>G on the plus strand (T>C on the coding strand, the complement: REEP1 is on the minus strand). VCF-style: chr2-86282164-A-G. GRCh37 (hg19) VCF-style: chr2-86509287-A-G.
Other names: c.126+6T>C (NM_001164730.2); c.25-18123T>C (NM_001164731.2); c.105+6T>C (NM_001164732.2, NM_001371280.1, NM_022912.3).
Identifiers: ClinVar variation 1017116 (VCV001017116.8), dbSNP rs1678132370, ClinGen allele CA1267154724.